The following is an entry in ClinVar:

NM_020166.5(MCCC1):c.556del (p.Gln186fs)

Gene: MCCC1 (methylcrotonyl-CoA carboxylase subunit 1; minus strand). Cytogenetic location: 3q27.1.
Variant type: Deletion.
Coding change: c.556del on transcript NM_020166.5 (MANE Select); coding-DNA position 556, one base deleted (C; older notation c.556delC).
Protein change: p.Gln186fs; shifts the reading frame from glutamine 186.
Molecular consequence: frameshift variant. On other transcripts: non-coding transcript variant (2).
Genome position (GRCh38, 1-based): chr3:183,071,293, G deleted on the plus strand (C on the coding strand, the reverse complement: MCCC1 is on the minus strand); the first of 2 consecutive G bases (chr3:183,071,293-183,071,294); deleting either gives the same sequence. VCF-style (leftmost placement, unchanged base first): chr3-183071292-TG-T. GRCh37 (hg19) VCF-style: chr3-182789080-TG-T.
Other names: c.205del, p.Gln69fs (NM_001293273.2); c.229del, p.Gln77fs (NM_001363880.1); short protein forms Q186fs, Q69fs, Q77fs.
Identifiers: ClinVar variation 1076555 (VCV001076555.7), dbSNP rs2108526541, ClinGen allele CA2499216606.

ClinVar aggregate classification (germline): Pathogenic (1 of 4 stars; one submission).

Conditions:
3-methylcrotonyl-CoA carboxylase 1 deficiency (MCC1D). Also called: MCCD TYPE 1; METHYLCROTONYLGLYCINURIA TYPE I; MCC 1 deficiency; 3 Alpha methylcrotonylglycinuria 1. Identifiers: Orphanet 6, MedGen CN028786, MONDO:0008861, OMIM 210200.

Submission:

Labcorp Genetics (formerly Invitae), Labcorp
Classification: Pathogenic for 3-methylcrotonyl-CoA carboxylase 1 deficiency. Last evaluated: 2020-04-27. Review status: criteria provided, single submitter. Criteria: Invitae Variant Classification Sherloc (09022015). Collection method: clinical testing. Allele origin: germline.
Comment: This variant has not been reported in the literature in individuals with MCCC1-related conditions. For these reasons, this variant has been classified as Pathogenic. Loss-of-function variants in MCCC1 are known to be pathogenic (PMID: 11181649, 15359379, 22642865). This variant is not present in population databases (ExAC no frequency). This sequence change creates a premature translational stop signal (p.Gln186Asnfs*6) in the MCCC1 gene. It is expected to result in an absent or disrupted protein product.

Literature cited by the submitters: PubMed 11181649; PubMed 15359379; PubMed 22642865.